The following is an entry in ClinVar:

ClinVar aggregate classification (germline): Uncertain significance (1 of 4 stars; one submission).

Conditions:
Immunodeficiency 104. Also called: SCID, AUTOSOMAL RECESSIVE, T CELL-NEGATIVE, B CELL-POSITIVE, NK CELL-POSITIVE; IMMUNODEFICIENCY 104, SEVERE COMBINED; Severe combined immunodeficiency, autosomal recessive, T cell-negative, B cell-positive, NK cell-positive; Severe Combined Immune Deficiency, Autosomal Recessive, TCell -Negative, B Cell-Positive, NK Cell-Positive, IL7R-Related. Identifiers: MedGen C5676890, MONDO:0012163, OMIM 608971.

gnomAD v4.1: 3 of 1,613,614 alleles (0.00019%); highest among the groups gnomAD compares: Non-Finnish European, 0.00025%; no homozygotes.

Submission:

Labcorp Genetics (formerly Invitae), Labcorp
Classification: Uncertain significance for Immunodeficiency 104. Last evaluated: 2020-02-04. Review status: criteria provided, single submitter. Criteria: Invitae Variant Classification Sherloc (09022015). Collection method: clinical testing. Allele origin: germline.
Comment: In summary, the available evidence is currently insufficient to determine the role of this variant in disease. Therefore, it has been classified as a Variant of Uncertain Significance. Algorithms developed to predict the effect of missense changes on protein structure and function (SIFT, PolyPhen-2, Align-GVGD) all suggest that this variant is likely to be tolerated, but these predictions have not been confirmed by published functional studies and their clinical significance is uncertain. This variant has not been reported in the literature in individuals with IL7R-related conditions. This variant is not present in population databases (ExAC no frequency). This sequence change replaces histidine with arginine at codon 285 of the IL7R protein (p.His285Arg). The histidine residue is weakly conserved and there is a small physicochemical difference between histidine and arginine.

NM_002185.5(IL7R):c.854A>G (p.His285Arg)

Gene: IL7R (interleukin 7 receptor; plus strand). Cytogenetic location: 5p13.2.
Variant type: single nucleotide variant.
Coding change: c.854A>G on transcript NM_002185.5 (MANE Select); coding-DNA position 854, A replaced by G.
Protein change: p.His285Arg; replaces histidine 285 with arginine.
Molecular consequence: missense variant. On other transcripts: non-coding transcript variant (1).
Genome position (GRCh38, 1-based): chr5:35,875,565, A>G. VCF-style: chr5-35875565-A-G. GRCh37 (hg19) VCF-style: chr5-35875667-A-G.
Other names: short protein forms H285R.
Identifiers: ClinVar variation 1051684 (VCV001051684.11), dbSNP rs2149904828, ClinGen allele CA359432152.
Genomic context (GRCh38, chr5:35,875,565, plus strand): 5'-ATTTCAGGATTAAGCCTATCGTATGGCCCAGTCTCCCCGATCATAAGAAGACTCTGGAAC[A>G]TCTTTGTAAGAAACCAAGAAAAGTGAGTGTTTTTGGTGCTTAAAAAGTGTTGTGTTGGCA-3'
Protein context (NP_002176.2, residues 275-295): SLPDHKKTLE[His285Arg]LCKKPRKNLN